The following is an entry in ClinVar:

NM_020806.5(GPHN):c.1136A>T (p.Asn379Ile)

Gene: GPHN (gephyrin; plus strand). Cytogenetic location: 14q23.3.
Variant type: single nucleotide variant.
Coding change: c.1136A>T on transcript NM_020806.5 (MANE Select); coding-DNA position 1136, A replaced by T.
Protein change: p.Asn379Ile; replaces asparagine 379 with isoleucine.
Molecular consequence: missense variant.
Genome position (GRCh38, 1-based): chr14:67,058,778, A>T. VCF-style: chr14-67058778-A-T. GRCh37 (hg19) VCF-style: chr14-67525495-A-T.
Other names: c.1037A>T, p.Asn346Ile (NM_001024218.2); c.1196A>T, p.Asn399Ile (NM_001377514.1); c.1166A>T, p.Asn389Ile (NM_001377515.1); c.1157A>T, p.Asn386Ile (NM_001377516.1); c.1109A>T, p.Asn370Ile (NM_001377517.1); c.1094A>T, p.Asn365Ile (NM_001377518.1); c.1076A>T, p.Asn359Ile (NM_001377519.1); short protein forms N346I, N370I, N399I, N365I, N379I, N359I, N386I, N389I.
Identifiers: ClinVar variation 1347685 (VCV001347685.6), dbSNP rs2153649226, ClinGen allele CA390258558.
Genomic context (GRCh38, chr14:67,058,778, plus strand): 5'-TGGACAAAGCCTTTATCACAGTCCTGGAGATGACTCCGGTGCTTGGGACAGAAATCATCA[A>T]TTACCGAGGTACTATTATATTTGACCATTGCCCTTTCTTTTCTTCATTTTTTTCCAAATA-3'
Protein context (NP_065857.1, residues 369-389): MTPVLGTEII[Asn379Ile]YRDGMGRVLA

ClinVar aggregate classification (germline): Uncertain significance (1 of 4 stars; one submission).

Conditions:
Sulfite oxidase deficiency due to molybdenum cofactor deficiency type C. Also called: Molybdenum cofactor deficiency, complementation group C; Molybdenum cofactor deficiency C. Identifiers: Orphanet 308400, Orphanet 833, MedGen C1854990, MONDO:0014212, OMIM 615501.

Submission:

Labcorp Genetics (formerly Invitae), Labcorp
Classification: Uncertain significance for Sulfite oxidase deficiency due to molybdenum cofactor deficiency type C. Last evaluated: 2022-03-19. Review status: criteria provided, single submitter. Criteria: Invitae Variant Classification Sherloc (09022015). Collection method: clinical testing. Allele origin: germline.
Comment: This sequence change replaces asparagine, which is neutral and polar, with isoleucine, which is neutral and non-polar, at codon 379 of the GPHN protein (p.Asn379Ile). This variant is not present in population databases (gnomAD no frequency). This variant has not been reported in the literature in individuals affected with GPHN-related conditions. Algorithms developed to predict the effect of missense changes on protein structure and function are either unavailable or do not agree on the potential impact of this missense change (SIFT: "Deleterious"; PolyPhen-2: "Probably Damaging"; Align-GVGD: "Class C0"). In summary, the available evidence is currently insufficient to determine the role of this variant in disease. Therefore, it has been classified as a Variant of Uncertain Significance.